The following is an entry in ClinVar:

ClinVar aggregate classification (germline): Uncertain significance (1 of 4 stars; one submission).

Submission:

Labcorp Genetics (formerly Invitae), Labcorp
Classification: Uncertain significance. Last evaluated: 2024-11-16. Review status: criteria provided, single submitter. Criteria: Invitae Variant Classification Sherloc (09022015). Collection method: clinical testing. Allele origin: germline.
Comment: This sequence change replaces tryptophan, which is neutral and slightly polar, with cysteine, which is neutral and slightly polar, at codon 453 of the DEAF1 protein (p.Trp453Cys). This variant is not present in population databases (gnomAD no frequency). This variant has not been reported in the literature in individuals affected with DEAF1-related conditions. Invitae Evidence Modeling of protein sequence and biophysical properties (such as structural, functional, and spatial information, amino acid conservation, physicochemical variation, residue mobility, and thermodynamic stability) indicates that this missense variant is expected to disrupt DEAF1 protein function with a positive predictive value of 95%. In summary, the available evidence is currently insufficient to determine the role of this variant in disease. Therefore, it has been classified as a Variant of Uncertain Significance.

NM_021008.4(DEAF1):c.1359G>C (p.Trp453Cys)

Genes: DEAF1 (DEAF1 transcription factor; minus strand), LOC126861109 (BRD4-independent group 4 enhancer GRCh37_chr11:673917-675116; plus strand). Cytogenetic location: 11p15.5.
Variant type: single nucleotide variant.
Coding change: c.1359G>C on transcript NM_021008.4 (MANE Select); coding-DNA position 1359, G replaced by C.
Protein change: p.Trp453Cys; replaces tryptophan 453 with cysteine.
Molecular consequence: missense variant.
Genome position (GRCh38, 1-based): chr11:674,680, C>G on the plus strand (G>C on the coding strand, the complement: DEAF1 is on the minus strand). VCF-style: chr11-674680-C-G. GRCh37 (hg19) VCF-style: chr11-674680-C-G.
Other names: c.1092G>C, p.Trp364Cys (NM_001293634.2); c.633G>C, p.Trp211Cys (NM_001367390.1); short protein forms W364C, W211C, W453C.
Identifiers: ClinVar variation 3713589 (VCV003713589.2).